The following is an entry in ClinVar:

NM_032603.5(LOXL3):c.170G>A (p.Arg57His)

Genes: DOK1 (docking protein 1; plus strand), LOXL3 (lysyl oxidase like 3; minus strand). Cytogenetic location: 2p13.1.
Variant type: single nucleotide variant.
Coding change: c.170G>A on transcript NM_032603.5 (MANE Select); coding-DNA position 170, G replaced by A.
Protein change: p.Arg57His; replaces arginine 57 with histidine.
Molecular consequence: missense variant. On other transcripts: intron variant (1).
Genome position (GRCh38, 1-based): chr2:74,552,465, C>T on the plus strand (G>A on the coding strand, the complement: LOXL3 is on the minus strand). VCF-style: chr2-74552465-C-T. GRCh37 (hg19) VCF-style: chr2-74779592-C-T.
Other names: c.170G>A, p.Arg57His (NM_001289164.3); c.-357-2689C>T (NM_001197260.2); short protein forms R57H.
Identifiers: ClinVar variation 1943147 (VCV001943147.3), dbSNP rs779522901, ClinGen allele CA1729246.

ClinVar aggregate classification (germline): Uncertain significance (1 of 4 stars; one submission).

Allele frequency attached by ClinVar (database versions not stated): TOPMed below 0.00001; gnomAD exomes 0.00001; gnomAD 0.00001.
gnomAD v4.1: 14 of 1,613,644 alleles (0.00087%); highest among the groups gnomAD compares: Non-Finnish European, 0.00076%; no homozygotes.

Submission:

Labcorp Genetics (formerly Invitae), Labcorp
Classification: Uncertain significance. Last evaluated: 2025-06-02. Review status: criteria provided, single submitter. Criteria: Invitae Variant Classification Sherloc (09022015). Collection method: clinical testing. Allele origin: germline.
Comment: This sequence change replaces arginine, which is basic and polar, with histidine, which is basic and polar, at codon 57 of the LOXL3 protein (p.Arg57His). This variant is present in population databases (rs779522901, gnomAD 0.01%). This variant has not been reported in the literature in individuals affected with LOXL3-related conditions. ClinVar contains an entry for this variant (Variation ID: 1943147). An algorithm developed to predict the effect of missense changes on protein structure and function (PolyPhen-2) suggests that this variant is likely to be disruptive. In summary, the available evidence is currently insufficient to determine the role of this variant in disease. Therefore, it has been classified as a Variant of Uncertain Significance.